The following is an entry in ClinVar:

ClinVar aggregate classification (germline): Pathogenic (1 of 4 stars; one submission).

Submission:

Labcorp Genetics (formerly Invitae), Labcorp
Classification: Pathogenic. Last evaluated: 2025-09-17. Review status: criteria provided, single submitter. Criteria: Invitae Variant Classification Sherloc (09022015). Collection method: clinical testing. Allele origin: germline.
Comment: This sequence change creates a premature translational stop signal (p.Tyr305*) in the POLE gene. It is expected to result in an absent or disrupted protein product. Loss-of-function variants in POLE are known to be pathogenic (PMID: 23230001, 25948378, 30503519). This variant is not present in population databases (gnomAD no frequency). This variant has not been reported in the literature in individuals affected with POLE-related conditions. For these reasons, this variant has been classified as Pathogenic.

Literature cited by the submitters: PubMed 23230001; PubMed 25948378; PubMed 30503519.

NM_006231.4(POLE):c.915C>G (p.Tyr305Ter)

Gene: POLE (DNA polymerase epsilon, catalytic subunit; minus strand). Cytogenetic location: 12q24.33.
Variant type: single nucleotide variant.
Coding change: c.915C>G on transcript NM_006231.4 (MANE Select); coding-DNA position 915, C replaced by G.
Protein change: p.Tyr305Ter; replaces tyrosine 305 with a stop codon.
Molecular consequence: nonsense.
Genome position (GRCh38, 1-based): chr12:132,676,199, G>C on the plus strand (C>G on the coding strand, the complement: POLE is on the minus strand). VCF-style: chr12-132676199-G-C. GRCh37 (hg19) VCF-style: chr12-133252785-G-C.
Other names: short protein forms Y305*.
Identifiers: ClinVar variation 4727038 (VCV004727038.1).